The following is an entry in ClinVar:

ClinVar aggregate classification (germline): Uncertain significance (1 of 4 stars; one submission).

Conditions:
USP8-related disorder. Also called: USP8-related condition.

Submission:

PreventionGenetics, part of Exact Sciences
Classification: Uncertain significance for USP8-related condition. Last evaluated: 2025-06-17. Review status: criteria provided, single submitter. Criteria: ACMG Guidelines, 2015. Collection method: clinical testing. Allele origin: germline.
Comment: The USP8 c.2086C>G variant is predicted to result in the amino acid substitution p.His696Asp. To our knowledge, this variant has not been reported in the literature or in a large population database (gnomAD), indicating this variant is rare. At this time, the clinical significance of this variant is uncertain due to the absence of conclusive functional and genetic evidence.

NM_005154.5(USP8):c.2086C>G (p.His696Asp)

Gene: USP8 (ubiquitin specific peptidase 8; plus strand). Cytogenetic location: 15q21.2.
Variant type: single nucleotide variant.
Coding change: c.2086C>G on transcript NM_005154.5 (MANE Select); coding-DNA position 2086, C replaced by G.
Protein change: p.His696Asp; replaces histidine 696 with aspartic acid.
Molecular consequence: missense variant.
Genome position (GRCh38, 1-based): chr15:50,490,377, C>G. VCF-style: chr15-50490377-C-G. GRCh37 (hg19) VCF-style: chr15-50782574-C-G.
Other names: c.2086C>G, p.His696Asp (NM_001128610.3); c.1768C>G, p.His590Asp (NM_001283049.2); short protein forms H590D, H696D.
Identifiers: ClinVar variation 4997639 (VCV004997639.1).